The following is an entry in ClinVar:

ClinVar aggregate classification (germline): Uncertain significance (1 of 4 stars; one submission).

Conditions:
Cardiovascular phenotype. Identifiers: MedGen CN230736.

gnomAD v4.1: 19 of 1,610,468 alleles (0.0012%); highest among the groups gnomAD compares: Non-Finnish European, 0.0015%; no homozygotes.

Submission:

Ambry Genetics
Classification: Uncertain significance for Cardiovascular phenotype. Last evaluated: 2025-04-07. Review status: criteria provided, single submitter. Criteria: Ambry Variant Classification Scheme 2023. Collection method: clinical testing. Allele origin: germline.
Comment: The p.K1140N variant (also known as c.3420G>C), located in coding exon 25 of the LAMA4 gene, results from a G to C substitution at nucleotide position 3420. The lysine at codon 1140 is replaced by asparagine, an amino acid with similar properties. This amino acid position is highly conserved in available vertebrate species. In addition, the in silico prediction for this alteration is inconclusive. Based on the available evidence, the clinical significance of this variant remains unclear.

NM_001105206.3(LAMA4):c.3441G>C (p.Lys1147Asn)

Gene: LAMA4 (laminin subunit alpha 4; minus strand). Cytogenetic location: 6q21.
Variant type: single nucleotide variant.
Coding change: c.3441G>C on transcript NM_001105206.3 (MANE Select); coding-DNA position 3441, G replaced by C.
Protein change: p.Lys1147Asn; replaces lysine 1147 with asparagine.
Molecular consequence: missense variant.
Genome position (GRCh38, 1-based): chr6:112,134,583, C>G on the plus strand (G>C on the coding strand, the complement: LAMA4 is on the minus strand). VCF-style: chr6-112134583-C-G. GRCh37 (hg19) VCF-style: chr6-112455785-C-G.
Other names: c.3420G>C, p.Lys1140Asn (NM_001105207.3, NM_002290.5); short protein forms K1147N, K1140N.
Identifiers: ClinVar variation 4045935 (VCV004045935.1).